The following is an entry in ClinVar:

ClinVar aggregate classification (germline): Benign/Likely benign. Review status: criteria provided, multiple submitters, no conflicts (2 of 4 stars). 4 submissions from 4 submitters: Benign (1); Likely benign (2). 1 of the submissions does not count toward it. Last evaluated 2026-08-01.

Conditions:
TRIM8-related disorder. Also called: TRIM8-related condition.

Allele frequency attached by ClinVar (database versions not stated): 1000 Genomes Project 0.00100; 1000 Genomes Project 30x 0.00109; ESP Exome Variant Server 0.00185.
gnomAD v4.1: 2,944 of 1,614,110 alleles (0.18%); highest among the groups gnomAD compares: Non-Finnish European, 0.23%; 5 homozygotes.

Submissions (4):

CeGaT Center for Human Genetics Tuebingen
Classification: Likely benign. Last evaluated: 2026-08-01. Review status: criteria provided, single submitter. Criteria: CeGaT Center For Human Genetics Tuebingen Variant Classification Criteria Version 2. Collection method: clinical testing. Allele origin: germline. Affected: yes. Observed: 8 variant alleles.
Comment: TRIM8: BP4, BP7, BS1

Labcorp Genetics (formerly Invitae), Labcorp
Classification: Benign. Last evaluated: 2026-02-02. Review status: criteria provided, single submitter. Criteria: Invitae Variant Classification Sherloc (09022015). Collection method: clinical testing. Allele origin: germline.

Blueprint Genetics
Classification: Likely benign. Last evaluated: 2024-10-02. Review status: criteria provided, single submitter. Criteria: ACMG Guidelines, 2015. Collection method: clinical testing. Allele origin: germline.

PreventionGenetics, part of Exact Sciences
Classification: Likely benign for TRIM8-related condition. Last evaluated: 2023-01-12. Review status: no assertion criteria provided. Collection method: clinical testing. Allele origin: germline. Not counted in ClinVar's aggregate classification.
Comment: This variant is classified as likely benign based on ACMG/AMP sequence variant interpretation guidelines (Richards et al. 2015 PMID: 25741868, with internal and published modifications).

NM_030912.3(TRIM8):c.1551C>A (p.Pro517=)

Gene: TRIM8 (tripartite motif containing 8; plus strand). Cytogenetic location: 10q24.32.
Variant type: single nucleotide variant.
Coding change: c.1551C>A on transcript NM_030912.3 (MANE Select); coding-DNA position 1551, C replaced by A.
Protein change: p.Pro517=; no amino-acid change (proline 517 retained).
Molecular consequence: synonymous variant. On other transcripts: non-coding transcript variant (1).
Genome position (GRCh38, 1-based): chr10:102,657,249, C>A. VCF-style: chr10-102657249-C-A. GRCh37 (hg19) VCF-style: chr10-104417006-C-A.
Other names: c.1551C>A (NM_030912.2); c.1455C>A, p.Pro485= (NM_001345950.1).
Identifiers: ClinVar variation 1575679 (VCV001575679.34), dbSNP rs140447881, ClinGen allele CA5668339.
Genomic context (GRCh38, chr10:102,657,249, plus strand): 5'-GCCCTCGCAGGAGTACTCACACCCGCTCCCGCCCACACCCTCCGTCCCCCAGTCCCTTCC[C>A]AGCCTGGCGGTCAGAGACTGGCTTGACGCCTCCCAGCAGCCCGGCCACCAGGATTTCTAC-3'
Protein context (NP_112174.2, residues 507-527): PPTPSVPQSL[Pro517=]SLAVRDWLDA